The following is an entry in ClinVar:

ClinVar aggregate classification (germline): Benign/Likely benign. Review status: criteria provided, multiple submitters, no conflicts (2 of 4 stars). 6 submissions from 6 submitters: Benign (2); Likely benign (3). 1 of the submissions does not count toward it. Last evaluated 2026-06-01.

Conditions:
TTBK2-related disorder. Also called: TTBK2-related condition.
Spinocerebellar ataxia type 11 (SCA11). Identifiers: Orphanet 98767, MedGen C1858351, MONDO:0011464, OMIM 604432.

Allele frequency attached by ClinVar (database versions not stated): 1000 Genomes Project 0.00020; 1000 Genomes Project 30x 0.00031; ExAC 0.00081; gnomAD exomes 0.00096; TOPMed 0.00097; ESP Exome Variant Server 0.00109; gnomAD 0.00120 and 0.00124.
gnomAD v4.1: 2,170 of 1,614,220 alleles (0.13%); highest among the groups gnomAD compares: Non-Finnish European, 0.16%; no homozygotes.

Submissions (6):

CeGaT Center for Human Genetics Tuebingen
Classification: Likely benign. Last evaluated: 2026-06-01. Review status: criteria provided, single submitter. Criteria: CeGaT Center For Human Genetics Tuebingen Variant Classification Criteria Version 2. Collection method: clinical testing. Allele origin: germline. Affected: yes. Observed: 3 variant alleles.
Comment: TTBK2: BS1

Blueprint Genetics
Classification: Likely benign. Last evaluated: 2024-11-20. Review status: criteria provided, single submitter. Criteria: ACMG Guidelines, 2015. Collection method: clinical testing. Allele origin: germline.

Athena Diagnostics
Classification: Benign. Last evaluated: 2024-07-31. Review status: criteria provided, single submitter. Criteria: Athena Diagnostics Criteria. Collection method: clinical testing. Allele origin: unknown.

Labcorp Genetics (formerly Invitae), Labcorp
Classification: Likely benign. Last evaluated: 2024-04-05. Review status: criteria provided, single submitter. Criteria: Invitae Variant Classification Sherloc (09022015). Collection method: clinical testing. Allele origin: germline.

Illumina Laboratory Services, Illumina
Classification: Benign for Spinocerebellar ataxia type 11. Last evaluated: 2018-01-13. Review status: criteria provided, single submitter. Criteria: ICSL Variant Classification Criteria 13 December 2019. Collection method: clinical testing. Allele origin: germline.
Comment: This variant was observed in the ICSL laboratory as part of a predisposition screen in an ostensibly healthy population. It had not been previously curated by ICSL or reported in the Human Gene Mutation Database (HGMD: prior to June 1st, 2018), and was therefore a candidate for classification through an automated scoring system. Utilizing variant allele frequency, disease prevalence and penetrance estimates, and inheritance mode, an automated score was calculated to assess if this variant is too frequent to cause the disease. Based on the score and internal cut-off values, a variant classified as benign is not then subjected to further curation. The score for this variant resulted in a classification of benign for this disease.

PreventionGenetics, part of Exact Sciences
Classification: Likely benign for TTBK2-related condition. Last evaluated: 2022-02-25. Review status: no assertion criteria provided. Collection method: clinical testing. Allele origin: germline. Not counted in ClinVar's aggregate classification.
Comment: This variant is classified as likely benign based on ACMG/AMP sequence variant interpretation guidelines (Richards et al. 2015 PMID: 25741868, with internal and published modifications).

NM_173500.4(TTBK2):c.2941C>G (p.Leu981Val)

Gene: TTBK2 (tau tubulin kinase 2; minus strand). Cytogenetic location: 15q15.2.
Variant type: single nucleotide variant.
Coding change: c.2941C>G on transcript NM_173500.4 (MANE Select); coding-DNA position 2941, C replaced by G.
Protein change: p.Leu981Val; replaces leucine 981 with valine.
Molecular consequence: missense variant.
Genome position (GRCh38, 1-based): chr15:42,752,305, G>C on the plus strand (C>G on the coding strand, the complement: TTBK2 is on the minus strand). VCF-style: chr15-42752305-G-C. GRCh37 (hg19) VCF-style: chr15-43044503-G-C.
Other names: short protein forms L981V.
Identifiers: ClinVar variation 315981 (VCV000315981.39), dbSNP rs180791005, ClinGen allele CA7516664.